The following is an entry in ClinVar:

ClinVar aggregate classification (germline): Conflicting classifications of pathogenicity. Review status: criteria provided, conflicting classifications (1 of 4 stars). 2 submissions from 2 submitters: Uncertain significance (1); Likely benign (1). Last evaluated 2024-03-28.

Conditions:
Inborn genetic diseases. Identifiers: MedGen C0950123, MeSH D030342.
Trichorhinophalangeal syndrome, type III (TRPS3). Also called: SUGIO-KAJII SYNDROME. Identifiers: Orphanet 77258, MedGen C1860823, OMIM 190351, MONDO:0008597.
Trichorhinophalangeal dysplasia type I (TRPS1). Also called: TRICHORHINOPHALANGEAL SYNDROME, TYPE I; TRPS I. Identifiers: Orphanet 77258, MedGen C0432233, MONDO:0008596, OMIM 190350.

Allele frequency attached by ClinVar (database versions not stated): TOPMed 0.00001; ExAC 0.00003; gnomAD 0.00003; ESP Exome Variant Server 0.00008.
gnomAD v4.1: 31 of 1,613,814 alleles (0.0019%); highest among the groups gnomAD compares: Non-Finnish European, 0.0025%; no homozygotes.

Submissions (2):

Ambry Genetics
Classification: Likely benign for Inborn genetic diseases. Last evaluated: 2024-03-28. Review status: criteria provided, single submitter. Criteria: Ambry Variant Classification Scheme 2023. Collection method: clinical testing. Allele origin: germline.

Labcorp Genetics (formerly Invitae), Labcorp
Classification: Uncertain significance for Trichorhinophalangeal syndrome, type III; Trichorhinophalangeal dysplasia type I. Last evaluated: 2022-10-13. Review status: criteria provided, single submitter. Criteria: Invitae Variant Classification Sherloc (09022015). Collection method: clinical testing. Allele origin: germline.
Comment: This variant has not been reported in the literature in individuals affected with TRPS1-related conditions. In summary, the available evidence is currently insufficient to determine the role of this variant in disease. Therefore, it has been classified as a Variant of Uncertain Significance. Advanced modeling of protein sequence and biophysical properties (such as structural, functional, and spatial information, amino acid conservation, physicochemical variation, residue mobility, and thermodynamic stability) performed at Invitae indicates that this missense variant is not expected to disrupt TRPS1 protein function. This variant is present in population databases (rs371696692, gnomAD 0.008%). This sequence change replaces serine, which is neutral and polar, with tyrosine, which is neutral and polar, at codon 652 of the TRPS1 protein (p.Ser652Tyr).

NM_014112.5(TRPS1):c.1955C>A (p.Ser652Tyr)

Gene: TRPS1 (transcriptional repressor GATA binding 1; minus strand). Cytogenetic location: 8q23.3.
Variant type: single nucleotide variant.
Coding change: c.1955C>A on transcript NM_014112.5 (MANE Select); coding-DNA position 1955, C replaced by A.
Protein change: p.Ser652Tyr; replaces serine 652 with tyrosine.
Molecular consequence: missense variant.
Genome position (GRCh38, 1-based): chr8:115,604,014, G>T on the plus strand (C>A on the coding strand, the complement: TRPS1 is on the minus strand). VCF-style: chr8-115604014-G-T. GRCh37 (hg19) VCF-style: chr8-116616241-G-T.
Other names: c.1955C>A (NM_014112.2); c.1928C>A, p.Ser643Tyr (NM_001282902.3); c.1934C>A, p.Ser645Tyr (NM_001282903.3); c.1916C>A, p.Ser639Tyr (NM_001330599.2); short protein forms S652Y, S639Y, S643Y, S645Y.
Identifiers: ClinVar variation 2077329 (VCV002077329.5), dbSNP rs371696692, ClinGen allele CA4851745.
Genomic context (GRCh38, chr8:115,604,014, plus strand): 5'-GACTGCTGCCCATCCGATCCTTGCAGGTGATTTGCTTCTTGTTTGACATCCGATGCTTGG[G>T]ACTCATGCACACTTTCATAGTGAAAGAGGAGTACATCTACGTCAGGGGTGGTGAATGAAC-3'
Protein context (NP_054831.2, residues 642-662): LLFHYESVHE[Ser652Tyr]QASDVKQEAN